The following is an entry in ClinVar:

ClinVar aggregate classification (germline): Likely benign. Review status: criteria provided, single submitter (1 of 4 stars). 2 submissions from 2 submitters: Likely benign (1). 1 of the submissions does not count toward it. Last evaluated 2023-02-16.

Conditions:
Marfan syndrome (MFS). Also called: MARFAN SYNDROME, TYPE I; Marfan syndrome type 1; Marfan's syndrome; Marfan syndrome, classic; FBN1-Related Marfan Syndrome. Identifiers: Orphanet 284963, Orphanet 558, MedGen C0024796, MONDO:0007947, OMIM 154700.
Familial thoracic aortic aneurysm and aortic dissection (TAAD). Also called: Thoracic aortic aneurysms and dissections. Identifiers: Orphanet 91387, MedGen C4707243, MONDO:0019625.

Submissions (2):

Labcorp Genetics (formerly Invitae), Labcorp
Classification: Likely benign for Marfan syndrome; Familial thoracic aortic aneurysm and aortic dissection. Last evaluated: 2023-02-16. Review status: criteria provided, single submitter. Criteria: Invitae Variant Classification Sherloc (09022015). Collection method: clinical testing. Allele origin: germline.

Department of Laboratory Medicine and Genetics, Samsung Medical Center
Classification: Uncertain significance for Marfan syndrome. Last evaluated: 2025-01-02. Review status: no assertion criteria provided. Collection method: clinical testing. Allele origin: germline. Not counted in ClinVar's aggregate classification.
Comment: The NM_000138.5:c.7570+11G>C, intron variant is considered to be rare in the general population database (gnomAD v2.1.1). This variant is predicted to be benign by in-silico analysis (SpliceAI). In summary, the available evidence is currently insufficient to evaluate the pathogenicity of this variant, resulting its classification as a variant of uncertain significance (PM2_P, BP4, BP7).

NM_000138.5(FBN1):c.7570+11G>C

Gene: FBN1 (fibrillin 1; minus strand). Cytogenetic location: 15q21.1.
Variant type: single nucleotide variant.
Coding change: c.7570+11G>C on transcript NM_000138.5 (MANE Select); 11 bases into the intron after coding-DNA position 7570, G replaced by C.
Molecular consequence: intron variant.
Genome position (GRCh38, 1-based): chr15:48,421,941, C>G on the plus strand (G>C on the coding strand, the complement: FBN1 is on the minus strand). VCF-style: chr15-48421941-C-G. GRCh37 (hg19) VCF-style: chr15-48714138-C-G.
Other names: c.7570+11G>C (NM_001406716.1).
Identifiers: ClinVar variation 2928632 (VCV002928632.4), dbSNP rs774781243, ClinGen allele CA2175464234.